The following is an entry in ClinVar:

ClinVar aggregate classification (germline): Likely pathogenic. Review status: criteria provided, multiple submitters, no conflicts (2 of 4 stars). 5 submissions from 5 submitters: Likely pathogenic (5). Last evaluated 2026-07-28.

Conditions:
Neurofibromatosis, type 1 (NF1). Also called: VON RECKLINGHAUSEN DISEASE; NEUROFIBROMATOSIS, TYPE I, SOMATIC; Peripheral type neurofibromatosis; Neurofibromatosis, type I. Identifiers: Orphanet 636, MedGen C0027831, MONDO:0018975, OMIM 162200. Disease mechanism: loss of function.
Hereditary cancer-predisposing syndrome. Also called: Neoplastic Syndromes, Hereditary; Tumor predisposition; Hereditary neoplastic syndrome; Hereditary Cancer Syndrome. Identifiers: Orphanet 140162, MedGen C0027672, MeSH D009386, MONDO:0015356.
Cardiovascular phenotype. Identifiers: MedGen CN230736.

Submissions (5):

GeneDx
Classification: Likely pathogenic. Last evaluated: 2026-07-28. Review status: criteria provided, single submitter. Criteria: GeneDx Variant Classification Process June 2021. Collection method: clinical testing. Allele origin: germline.
Comment: In silico analysis supports a deleterious effect on splicing; Not observed at significant frequency in large population cohorts (gnomAD); This variant is associated with the following publications: (PMID: 14556247, 31717729, 24232412)

Labcorp Genetics (formerly Invitae), Labcorp
Classification: Likely pathogenic for Neurofibromatosis, type 1. Last evaluated: 2025-09-10. Review status: criteria provided, single submitter. Criteria: Invitae Variant Classification Sherloc (09022015). Collection method: clinical testing. Allele origin: germline.
Comment: This sequence change falls in intron 22 of the NF1 gene. It does not directly change the encoded amino acid sequence of the NF1 protein. RNA analysis indicates that this variant induces altered splicing and may result in an absent or altered protein product. This variant is not present in population databases (gnomAD no frequency). This variant has been observed in individual(s) with Neurofibromatosis, type 1 (PMID: 24232412, 31717729). ClinVar contains an entry for this variant (Variation ID: 1804260). Studies have shown that this variant results in activation of a cryptic splice site, and produces a non-functional protein and/or introduces a premature termination codon (internal data). In summary, the currently available evidence indicates that the variant is pathogenic, but additional data are needed to prove that conclusively. Therefore, this variant has been classified as Likely Pathogenic.

Ambry Genetics
Classification: Likely pathogenic for Cardiovascular phenotype; Hereditary cancer-predisposing syndrome. Last evaluated: 2025-06-11. Review status: criteria provided, single submitter. Criteria: Ambry Variant Classification Scheme 2023. Collection method: clinical testing. Allele origin: germline.
Comment: The c.2991-11T>G intronic variant results from a T to G substitution 11 nucleotides upstream from coding exon 23 in the NF1 gene. This variant was reported in individual(s) with features consistent with NF1 (Stewart DR et al. Genet Med, 2014 Jun;16:448-59; Yao R et al. Genes (Basel), 2019 Oct;10; Ambry internal data). This variant is considered to be rare based on population cohorts in the Genome Aggregation Database (gnomAD). This nucleotide position is well conserved in available vertebrate species. In silico splice site analysis predicts that this alteration will weaken the native splice acceptor site and will result in the creation or strengthening of a novel splice acceptor site. Based on the majority of available evidence to date, this variant is likely to be pathogenic.

Molecular Pathology, Peter Maccallum Cancer Centre
Classification: Likely pathogenic for Neurofibromatosis, type 1. Last evaluated: 2024-12-19. Review status: criteria provided, single submitter. Criteria: ACMG Guidelines, 2015. Collection method: clinical testing. Allele origin: germline. Inheritance: Autosomal dominant inheritance.

Department of Pathology and Laboratory Medicine, Sinai Health System
Classification: Likely pathogenic for neurofibromatosis type 1. Review status: criteria provided, single submitter. Criteria: ACMG Guidelines, 2015. Collection method: clinical testing. Allele origin: germline.

Literature cited by the submitters: PubMed 24232412 (cited by Labcorp Genetics (formerly Invitae), Labcorp and Ambry Genetics); PubMed 31717729 (cited by Labcorp Genetics (formerly Invitae), Labcorp and Ambry Genetics).

NM_001042492.3(NF1):c.2991-11T>G

Gene: NF1 (neurofibromin 1; plus strand). Cytogenetic location: 17q11.2.
Variant type: single nucleotide variant.
Coding change: c.2991-11T>G on transcript NM_001042492.3 (MANE Select); 11 bases into the intron before coding-DNA position 2991, T replaced by G.
Molecular consequence: intron variant.
Genome position (GRCh38, 1-based): chr17:31,230,249, T>G. VCF-style: chr17-31230249-T-G. GRCh37 (hg19) VCF-style: chr17-29557267-T-G.
Other names: c.2991-11T>G (NM_000267.4, NM_001042492.2, NM_000267.3).
Identifiers: ClinVar variation 1804260 (VCV001804260.7), dbSNP rs2508204517, ClinGen allele CA2580092781.